The following is an entry in ClinVar:

NM_000038.6(APC):c.6285T>A (p.Asp2095Glu)

Gene: APC (APC regulator of Wnt signaling pathway; plus strand). Cytogenetic location: 5q22.2.
Variant type: single nucleotide variant.
Coding change: c.6285T>A on transcript NM_000038.6 (MANE Select); coding-DNA position 6285, T replaced by A.
Protein change: p.Asp2095Glu; replaces aspartic acid 2095 with glutamic acid.
Molecular consequence: missense variant. On other transcripts: non-coding transcript variant (2).
Genome position (GRCh38, 1-based): chr5:112,841,879, T>A. VCF-style: chr5-112841879-T-A. GRCh37 (hg19) VCF-style: chr5-112177576-T-A.
Other names: c.5898T>A, p.Asp1966Glu (NM_001407469.1, NM_001407467.1); c.5436T>A, p.Asp1812Glu (NM_001407470.1, NM_001354906.2); c.5133T>A, p.Asp1711Glu (NM_001407471.1, NM_001407472.1); c.6285T>A, p.Asp2095Glu (NM_001127510.3, NM_001354895.2, NM_001407450.1); c.6231T>A, p.Asp2077Glu (NM_001127511.3); c.6339T>A, p.Asp2113Glu (NM_001354896.2, NM_001407447.1, NM_001407448.1 and 1 more transcripts); c.6315T>A, p.Asp2105Glu (NM_001354897.2); c.6210T>A, p.Asp2070Glu (NM_001354898.2); and 11 more; short protein forms D1812E, D2105E, D1935E, D1966E, D1994E, D2070E, D2077E, D2113E.
Identifiers: ClinVar variation 2566939 (VCV002566939.2), dbSNP rs1580669392, ClinGen allele CA16035090.

ClinVar aggregate classification (germline): Uncertain significance (1 of 4 stars; one submission).

Conditions:
Hereditary cancer-predisposing syndrome. Also called: Hereditary neoplastic syndrome; Hereditary Cancer Syndrome; Neoplastic Syndromes, Hereditary; Tumor predisposition. Identifiers: Orphanet 140162, MedGen C0027672, MeSH D009386, MONDO:0015356.

Submission:

Ambry Genetics
Classification: Uncertain significance for Hereditary cancer-predisposing syndrome. Last evaluated: 2023-03-17. Review status: criteria provided, single submitter. Criteria: Ambry Variant Classification Scheme 2023. Collection method: clinical testing. Allele origin: germline.
Comment: The p.D2095E variant (also known as c.6285T>A), located in coding exon 15 of the APC gene, results from a T to A substitution at nucleotide position 6285. The aspartic acid at codon 2095 is replaced by glutamic acid, an amino acid with highly similar properties. This amino acid position is conserved. In addition, in silico predictors for this gene do not accurately predict pathogenicity. Since supporting evidence is limited at this time, the clinical significance of this alteration remains unclear.